The following is an entry in ClinVar:

ClinVar aggregate classification (germline): Likely benign (1 of 4 stars; one submission).

gnomAD v4.1: 3 of 1,419,292 alleles (0.00021%); highest among the groups gnomAD compares: Non-Finnish European, 0.00027%; no homozygotes.

Submission:

GeneDx
Classification: Likely benign. Last evaluated: 2018-03-23. Review status: criteria provided, single submitter. Criteria: GeneDx Variant Classification (06012015). Collection method: clinical testing. Allele origin: germline. Affected: yes.
Comment: This variant is considered likely benign or benign based on one or more of the following criteria: it is a conservative change, it occurs at a poorly conserved position in the protein, it is predicted to be benign by multiple in silico algorithms, and/or has population frequency not consistent with disease.

NM_003106.4(SOX2):c.-11A>C

Genes: SOX2 (SRY-box transcription factor 2; plus strand), SOX2-OT (SOX2 overlapping transcript; plus strand), LOC108281177 (SOX2 5' regulatory region; plus strand). Cytogenetic location: 3q26.33.
Variant type: single nucleotide variant.
Coding change: c.-11A>C on transcript NM_003106.4 (MANE Select); 11 bases upstream of the start codon, A replaced by C.
Molecular consequence: 5 prime UTR variant.
Genome position (GRCh38, 1-based): chr3:181,712,350, A>C. VCF-style: chr3-181712350-A-C. GRCh37 (hg19) VCF-style: chr3-181430138-A-C.
Identifiers: ClinVar variation 678529 (VCV000678529.1), dbSNP rs1576852580, ClinGen allele CA915941619.